The following is an entry in ClinVar:

ClinVar aggregate classification (germline): Uncertain significance (1 of 4 stars; one submission).

Conditions:
Malignant hyperthermia, susceptibility to, 1 (MHS1). Also called: Anesthesia related hyperthermia; Malignant hyperpyrexia; Fulminating hyperpyrexia; Pharmacogenic myopathy; RYR1-Related Malignant Hyperthermia Susceptibility; Malignant hyperthermia suceptibility 1. Identifiers: Orphanet 423, MedGen C2930980, MONDO:0007783, OMIM 145600.

Allele frequency attached by ClinVar (database versions not stated): gnomAD exomes below 0.00001; TOPMed below 0.00001; ExAC 0.00001; gnomAD 0.00001.
gnomAD v4.1: 2 of 1,613,590 alleles (0.00012%); highest among the groups gnomAD compares: South Asian, 0.0011%; no homozygotes.

Submission:

All of Us Research Program, National Institutes of Health
Classification: Uncertain significance for Malignant hyperthermia, susceptibility to, 1. Last evaluated: 2024-01-11. Review status: criteria provided, single submitter. Criteria: ACMG Guidelines, 2015. Collection method: clinical testing. Allele origin: germline. Inheritance: Autosomal dominant inheritance. Observed: 1 variant allele, 1 heterozygote.
Comment: This study involves interpretation of variants in research participants for the purpose of population health screening. Participant phenotype was not available at the time of variant classification. Additional details can be found in publication PMID: 35346344, PMCID: PMC8962531

NM_000540.3(RYR1):c.10686+5G>A

Gene: RYR1 (ryanodine receptor 1; plus strand). Cytogenetic location: 19q13.2.
Variant type: single nucleotide variant.
Coding change: c.10686+5G>A on transcript NM_000540.3 (MANE Select); 5 bases into the intron after coding-DNA position 10686, G replaced by A.
Molecular consequence: intron variant.
Genome position (GRCh38, 1-based): chr19:38,527,057, G>A. VCF-style: chr19-38527057-G-A. GRCh37 (hg19) VCF-style: chr19-39017697-G-A.
Other names: c.10671+5G>A (NM_001042723.2).
Identifiers: ClinVar variation 3075004 (VCV003075004.1), dbSNP rs745897440, ClinGen allele CA054390.